The following is an entry in ClinVar:

ClinVar aggregate classification (germline): Uncertain significance (1 of 4 stars; one submission).

Submission:

Women's Health and Genetics/Laboratory Corporation of America, LabCorp
Classification: Uncertain significance. Last evaluated: 2025-10-17. Review status: criteria provided, single submitter. Criteria: LabCorp Variant Classification Summary - May 2015. Collection method: clinical testing. Allele origin: germline.
Comment: Variant summary: The variant involves the deletion of exon 1 in the FBXO31 gene. A presumed nomenclature of c.(?_-33)_(340+1_341-1)del has been designated for the purposes of this classification. The exact breakpoint at the 5' end of this variant is unknown, therefore this deletion may extend upstream of the annotated region of this gene. Although the exact breakpoints of this deletion are not known, it is predicted to remove the initiation codon and result in an absence of protein or a truncation of the encoded protein due to translation initiation at a downstream site. Current evidence is not sufficient to establish loss of function as a mechanism for disease. The variant was absent in 21694 control chromosomes. The available data on variant occurrences in the general population are insufficient to allow any conclusion about variant significance. To our knowledge, no occurrence of c.(?_-33)_(340+1_341-1)del in individuals affected with FBXO31-related conditions and no experimental evidence demonstrating its impact on protein function have been reported. No submitters have cited clinical-significance assessments for this variant to ClinVar. Based on the evidence outlined above, the variant was classified as uncertain significance.

NC_000016.9:g.(87393973_87417010)_(87417383_?)del

Gene: FBXO31 (F-box protein 31; minus strand). Cytogenetic location: 16q24.2.
Variant type: Deletion.
Identifiers: ClinVar variation 4687216 (VCV004687216.1).